The following is an entry in ClinVar:

NM_001184.4(ATR):c.3719A>G (p.Glu1240Gly)

Gene: ATR (ATR checkpoint kinase; minus strand). Cytogenetic location: 3q23.
Variant type: single nucleotide variant.
Coding change: c.3719A>G on transcript NM_001184.4 (MANE Select); coding-DNA position 3719, A replaced by G.
Protein change: p.Glu1240Gly; replaces glutamic acid 1240 with glycine.
Molecular consequence: missense variant.
Genome position (GRCh38, 1-based): chr3:142,538,488, T>C on the plus strand (A>G on the coding strand, the complement: ATR is on the minus strand). VCF-style: chr3-142538488-T-C. GRCh37 (hg19) VCF-style: chr3-142257330-T-C.
Other names: c.3527A>G, p.Glu1176Gly (NM_001354579.2); short protein forms E1240G, E1176G.
Identifiers: ClinVar variation 1734260 (VCV001734260.3), dbSNP rs1300985772, ClinGen allele CA354807376.

ClinVar aggregate classification (germline): Uncertain significance (1 of 4 stars; one submission).

Conditions:
Inborn genetic diseases. Identifiers: MedGen C0950123, MeSH D030342.

Allele frequency attached by ClinVar (database versions not stated): TOPMed below 0.00001; gnomAD 0.00001.
gnomAD v4.1: 1 of 1,612,150 alleles (0.000062%); highest among the groups gnomAD compares: East Asian, 0.0022%; no homozygotes.

Submission:

Ambry Genetics
Classification: Uncertain significance for Inborn genetic diseases. Last evaluated: 2024-08-27. Review status: criteria provided, single submitter. Criteria: Ambry Variant Classification Scheme 2023. Collection method: clinical testing. Allele origin: germline.
Comment: The p.E1240G variant (also known as c.3719A>G), located in coding exon 19 of the ATR gene, results from an A to G substitution at nucleotide position 3719. The glutamic acid at codon 1240 is replaced by glycine, an amino acid with similar properties. This amino acid position is conserved. In addition, the in silico prediction for this alteration is inconclusive. Since supporting evidence is limited at this time, the clinical significance of this alteration remains unclear.